The following is an entry in ClinVar:

ClinVar aggregate classification (germline): Uncertain significance. Review status: criteria provided, multiple submitters, no conflicts (2 of 4 stars). 3 submissions from 3 submitters: Uncertain significance (3). Last evaluated 2026-07-11.

Conditions:
TMEM132E-related disorder. Also called: TMEM132E-related condition.

Allele frequency attached by ClinVar (database versions not stated): TOPMed 0.00017; ExAC 0.00024; gnomAD exomes 0.00024; gnomAD 0.00037; ESP Exome Variant Server 0.00038.
gnomAD v4.1: 397 of 1,613,858 alleles (0.025%); highest among the groups gnomAD compares: Non-Finnish European, 0.03%; no homozygotes.

Submissions (3):

PreventionGenetics, part of Exact Sciences
Classification: Uncertain significance for TMEM132E-related condition. Last evaluated: 2026-07-11. Review status: criteria provided, single submitter. Criteria: ACMG Guidelines, 2015. Collection method: clinical testing. Allele origin: germline.
Comment: The TMEM132E c.1276C>T variant is predicted to result in the amino acid substitution p.Arg426Trp. To our knowledge, this variant has not been reported in the literature. This variant is reported in 0.050% of alleles in individuals of European (Non-Finnish) descent in gnomAD. At this time, the clinical significance of this variant is uncertain due to the absence of conclusive functional and genetic evidence.

Labcorp Genetics (formerly Invitae), Labcorp
Classification: Uncertain significance. Last evaluated: 2022-07-16. Review status: criteria provided, single submitter. Criteria: Invitae Variant Classification Sherloc (09022015). Collection method: clinical testing. Allele origin: germline.
Comment: In summary, the available evidence is currently insufficient to determine the role of this variant in disease. Therefore, it has been classified as a Variant of Uncertain Significance. Algorithms developed to predict the effect of missense changes on protein structure and function are either unavailable or do not agree on the potential impact of this missense change (SIFT: "Deleterious"; PolyPhen-2: "Not Available"; Align-GVGD: "Class C0"). This variant has not been reported in the literature in individuals affected with TMEM132E-related conditions. This variant is present in population databases (rs200677547, gnomAD 0.05%). This sequence change replaces arginine, which is basic and polar, with tryptophan, which is neutral and slightly polar, at codon 426 of the TMEM132E protein (p.Arg426Trp).

Ambry Genetics
Classification: Uncertain significance. Last evaluated: 2021-07-06. Review status: criteria provided, single submitter. Criteria: Ambry Variant Classification Scheme 2023. Collection method: clinical testing. Allele origin: germline.

NM_001304438.2(TMEM132E):c.1276C>T (p.Arg426Trp)

Gene: TMEM132E (transmembrane protein 132E; plus strand). Cytogenetic location: 17q12.
Variant type: single nucleotide variant.
Coding change: c.1276C>T on transcript NM_001304438.2 (MANE Select); coding-DNA position 1276, C replaced by T.
Protein change: p.Arg426Trp; replaces arginine 426 with tryptophan.
Molecular consequence: missense variant.
Genome position (GRCh38, 1-based): chr17:34,629,142, C>T. VCF-style: chr17-34629142-C-T. GRCh37 (hg19) VCF-style: chr17-32956161-C-T.
Other names: NM_207313.1:c.1006C>T; c.1276C>T (NM_001304438.1); short protein forms R426W.
Identifiers: ClinVar variation 2140108 (VCV002140108.4), dbSNP rs200677547, ClinGen allele CA8496625.